The following is an entry in ClinVar:

ClinVar aggregate classification (germline): Uncertain significance. Review status: criteria provided, multiple submitters, no conflicts (2 of 4 stars). 2 submissions from 2 submitters: Uncertain significance (2). Last evaluated 2026-02-17.

Conditions:
Inborn genetic diseases. Identifiers: MedGen C0950123, MeSH D030342.
Ellis-van Creveld syndrome (EVC). Also called: MESOECTODERMAL DYSPLASIA; Chondroectodermal dysplasia. Identifiers: Orphanet 289, MedGen C0013903, MONDO:0009162, OMIM 225500.
Curry-Hall syndrome (WAD). Also called: WEYERS ACRODENTAL DYSOSTOSIS. Identifiers: Orphanet 952, MedGen C0457013, MONDO:0008673, OMIM 193530.

Allele frequency attached by ClinVar (database versions not stated): gnomAD 0.00001.
gnomAD v4.1: 21 of 1,613,942 alleles (0.0013%); highest among the groups gnomAD compares: Admixed American, 0.032%; no homozygotes.

Submissions (2):

Ambry Genetics
Classification: Uncertain significance for Inborn genetic diseases. Last evaluated: 2026-02-17. Review status: criteria provided, single submitter. Criteria: Ambry Variant Classification Scheme 2023. Collection method: clinical testing. Allele origin: germline.
Comment: The c.434C>G (p.P145R) alteration is located in exon 3 (coding exon 3) of the EVC2 gene. This alteration results from a C to G substitution at nucleotide position 434, causing the proline (P) at amino acid position 145 to be replaced by an arginine (R). Based on data from gnomAD, the G allele has an overall frequency of 0.006% (15/251346) total alleles studied. The highest observed frequency was 0.043% (15/34590) of Latino alleles. Based on insufficient or conflicting evidence, the clinical significance of this alteration remains unclear.

Labcorp Genetics (formerly Invitae), Labcorp
Classification: Uncertain significance for Curry-Hall syndrome; Ellis-van Creveld syndrome. Last evaluated: 2024-06-03. Review status: criteria provided, single submitter. Criteria: Invitae Variant Classification Sherloc (09022015). Collection method: clinical testing. Allele origin: germline.
Comment: This sequence change replaces proline, which is neutral and non-polar, with arginine, which is basic and polar, at codon 145 of the EVC2 protein (p.Pro145Arg). This variant is present in population databases (rs369955469, gnomAD 0.04%). This variant has not been reported in the literature in individuals affected with EVC2-related conditions. ClinVar contains an entry for this variant (Variation ID: 2137407). An algorithm developed to predict the effect of missense changes on protein structure and function (PolyPhen-2) suggests that this variant is likely to be tolerated. In summary, the available evidence is currently insufficient to determine the role of this variant in disease. Therefore, it has been classified as a Variant of Uncertain Significance.

NM_147127.5(EVC2):c.434C>G (p.Pro145Arg)

Gene: EVC2 (EvC ciliary complex subunit 2; minus strand). Cytogenetic location: 4p16.2.
Variant type: single nucleotide variant.
Coding change: c.434C>G on transcript NM_147127.5 (MANE Select); coding-DNA position 434, C replaced by G.
Protein change: p.Pro145Arg; replaces proline 145 with arginine.
Molecular consequence: missense variant.
Genome position (GRCh38, 1-based): chr4:5,694,351, G>C on the plus strand (C>G on the coding strand, the complement: EVC2 is on the minus strand). VCF-style: chr4-5694351-G-C. GRCh37 (hg19) VCF-style: chr4-5696078-G-C.
Other names: c.434C>G (NM_147127.4); c.194C>G, p.Pro65Arg (NM_001166136.2); short protein forms P145R, P65R.
Identifiers: ClinVar variation 2137407 (VCV002137407.4), dbSNP rs369955469, ClinGen allele CA2835470.
Genomic context (GRCh38, chr4:5,694,351, plus strand): 5'-CCAACTTCTGGTATTTGTGTTAAAGCATTGAACTTAATACTTACCAGGCGGTGTGTTATA[G>C]GAGACTCTCTTTTAAATAAGTTCTTCTTAGGCCAGGAGGGTATAAAAGCAAATAAGGAAT-3'
Protein context (NP_667338.3, residues 135-155): PKKNLFKRES[Pro145Arg]ITHRLYGDIS